The following is an entry in ClinVar:

NM_003079.5(SMARCE1):c.784A>G (p.Ser262Gly)

Gene: SMARCE1 (SWI/SNF related BAF chromatin remodeling complex subunit E1; minus strand). Cytogenetic location: 17q21.2.
Variant type: single nucleotide variant.
Coding change: c.784A>G on transcript NM_003079.5 (MANE Select); coding-DNA position 784, A replaced by G.
Protein change: p.Ser262Gly; replaces serine 262 with glycine.
Molecular consequence: missense variant.
Genome position (GRCh38, 1-based): chr17:40,631,624, T>C on the plus strand (A>G on the coding strand, the complement: SMARCE1 is on the minus strand). VCF-style: chr17-40631624-T-C. GRCh37 (hg19) VCF-style: chr17-38787876-T-C.
Other names: c.784A>G (NM_003079.4); short protein forms S262G.
Identifiers: ClinVar variation 1466480 (VCV001466480.10), dbSNP rs1432681998, ClinGen allele CA399364278.
Genomic context (GRCh38, chr17:40,631,624, plus strand): 5'-AAGTATAGTTAACATATTAAACAGATACCCTTTTAAGTTCATTGTTAAATGAATCTGTGC[T>C]TTCCAGGAATTTCCTCTTCTTCTCCTGGTGTCGTTCCTCTATTTGAAGAAGTTCAGCTTC-3'
Protein context (NP_003070.3, residues 252-272): HQEKKRKFLE[Ser262Gly]TDSFNNELKR

ClinVar aggregate classification (germline): Conflicting classifications of pathogenicity. Review status: criteria provided, conflicting classifications (1 of 4 stars). 2 submissions from 2 submitters: Uncertain significance (1); Likely benign (1). Last evaluated 2025-12-16.

Conditions:
Familial meningioma. Also called: Meningioma, familial, susceptibility to. Identifiers: Orphanet 263662, MedGen C3551915, MONDO:0011789, OMIM 607174.
Hereditary cancer-predisposing syndrome. Also called: Neoplastic Syndromes, Hereditary; Tumor predisposition; Hereditary Cancer Syndrome; Hereditary neoplastic syndrome. Identifiers: Orphanet 140162, MedGen C0027672, MeSH D009386, MONDO:0015356.

Allele frequency attached by ClinVar (database versions not stated): gnomAD exomes below 0.00001 and 0.00001.
gnomAD v4.1: 2 of 1,606,114 alleles (0.00012%); highest among the groups gnomAD compares: Non-Finnish European, 0.00017%; no homozygotes.

Submissions (2):

Ambry Genetics
Classification: Likely benign for Hereditary cancer-predisposing syndrome. Last evaluated: 2025-12-16. Review status: criteria provided, single submitter. Criteria: Ambry Variant Classification Scheme 2023. Collection method: clinical testing. Allele origin: germline.

Labcorp Genetics (formerly Invitae), Labcorp
Classification: Uncertain significance for Familial meningioma. Last evaluated: 2024-06-18. Review status: criteria provided, single submitter. Criteria: Invitae Variant Classification Sherloc (09022015). Collection method: clinical testing. Allele origin: germline.
Comment: This sequence change replaces serine, which is neutral and polar, with glycine, which is neutral and non-polar, at codon 262 of the SMARCE1 protein (p.Ser262Gly). This variant is present in population databases (no rsID available, gnomAD 0.002%). This variant has not been reported in the literature in individuals affected with SMARCE1-related conditions. ClinVar contains an entry for this variant (Variation ID: 1466480). Advanced modeling of protein sequence and biophysical properties (such as structural, functional, and spatial information, amino acid conservation, physicochemical variation, residue mobility, and thermodynamic stability) performed at Invitae indicates that this missense variant is not expected to disrupt SMARCE1 protein function with a negative predictive value of 80%. In summary, the available evidence is currently insufficient to determine the role of this variant in disease. Therefore, it has been classified as a Variant of Uncertain Significance.